The following is an entry in ClinVar:

NM_001267550.2(TTN):c.58121C>G (p.Thr19374Ser)

Genes: TTN-AS1 (TTN antisense RNA 1; plus strand), TTN (titin; minus strand). Cytogenetic location: 2q31.2.
Variant type: single nucleotide variant.
Coding change: c.58121C>G on transcript NM_001267550.2 (MANE Select); coding-DNA position 58121, C replaced by G.
Protein change: p.Thr19374Ser; replaces threonine 19374 with serine.
Molecular consequence: missense variant.
Genome position (GRCh38, 1-based): chr2:178,594,373, G>C on the plus strand (C>G on the coding strand, the complement: TTN is on the minus strand). VCF-style: chr2-178594373-G-C. GRCh37 (hg19) VCF-style: chr2-179459100-G-C.
Other names: p.T17733S:ACC>AGC; c.53198C>G, p.Thr17733Ser (NM_001256850.1); c.30926C>G, p.Thr10309Ser (NM_003319.4); c.50417C>G, p.Thr16806Ser (NM_133378.4); c.31301C>G, p.Thr10434Ser (NM_133432.3); c.31502C>G, p.Thr10501Ser (NM_133437.4); short protein forms T17733S, T19374S, T10309S, T10434S, T16806S, T10501S.
Identifiers: ClinVar variation 202733 (VCV000202733.2), dbSNP rs794729463, ClinGen allele CA310119.
Genomic context (GRCh38, chr2:178,594,373, plus strand): 5'-TTCAGAAGTATAAATTGTAGTAGACACATACCCAGCTCATCCTTGCAAGTAATTGGTTTG[G>C]TGCAAAATGATGGTTTGCCTTGTCCAACAATGTTGACAGCACTGACACGGTACTCATAGG-3'
Protein context (NP_001254479.2, residues 19364-19384): IVGQGKPSFC[Thr19374Ser]KPITCKDELA

ClinVar aggregate classification (germline): Uncertain significance. Review status: criteria provided, multiple submitters, no conflicts (2 of 4 stars). 2 submissions from 2 submitters: Uncertain significance (2). Last evaluated 2026-01-26.

Conditions:
TTN-related disorder. Also called: TTN-related condition; TTN-related disease; TTN-related disorders.

Allele frequency attached by ClinVar (database versions not stated): gnomAD exomes below 0.00001; gnomAD 0.00002 and 0.00004; TOPMed 0.00003.

Submissions (2):

PreventionGenetics, part of Exact Sciences
Classification: Uncertain significance for TTN-related condition. Last evaluated: 2026-01-26. Review status: criteria provided, single submitter. Criteria: ACMG Guidelines, 2015. Collection method: clinical testing. Allele origin: germline.
Comment: The TTN c.58121C>G variant is predicted to result in the amino acid substitution p.Thr19374Ser. This variant has been reported in a patient with cardiomyopathy (described as p.Thr16806Ser, Supplementary File 2, van Lint et al. 2019. PubMed ID: 30847666). This variant is reported in 0.023% of alleles in individuals of African descent in gnomAD. At this time, the clinical significance of this variant is uncertain due to the absence of conclusive functional and genetic evidence.

GeneDx
Classification: Uncertain significance. Last evaluated: 2014-04-23. Review status: criteria provided, single submitter. Criteria: GeneDx Variant Classification (06012015). Collection method: clinical testing. Allele origin: germline. Affected: yes.
Comment: Missense variants in the TTN gene are considered 'unclassified' if they are not previously reported in the literature and do not have >1% frequency in the population to be considered a polymorphism. Research indicates that truncating mutations in the TTN gene are expected to account for approximately 25% of familial and 18% of sporadic idiopathic DCM; however, truncating variants in the TTN gene have been reported in approximately 3% of reported control alleles. There has been little investigation into non-truncating variants. (Herman D et al. Truncations of titin causing dilated cardiomyopathy. N Eng J Med 366:619-628, 2012) The variant is found in DCM-CRDM panel(s).